The following is an entry in ClinVar:

NM_000722.4(CACNA2D1):c.2689G>A (p.Ala897Thr)

Gene: CACNA2D1 (calcium voltage-gated channel auxiliary subunit alpha2delta 1; minus strand). Cytogenetic location: 7q21.11.
Variant type: single nucleotide variant.
Coding change: c.2689G>A on transcript NM_000722.4 (MANE Select); coding-DNA position 2689, G replaced by A.
Protein change: p.Ala897Thr; replaces alanine 897 with threonine.
Molecular consequence: missense variant.
Genome position (GRCh38, 1-based): chr7:81,964,245, C>T on the plus strand (G>A on the coding strand, the complement: CACNA2D1 is on the minus strand). VCF-style: chr7-81964245-C-T. GRCh37 (hg19) VCF-style: chr7-81593561-C-T.
Other names: c.2725G>A, p.Ala909Thr (NM_001366867.1); short protein forms A897T, A909T.
Identifiers: ClinVar variation 1972573 (VCV001972573.6), dbSNP rs1276335298, ClinGen allele CA367884926.
Genomic context (GRCh38, chr7:81,964,245, plus strand): 5'-TTAGACCGTGGATATTACTGACCACATATGCTGAGCGATGTCCTGCTCCTTGTTTTGGTG[C>T]AGCACCGGGCTCACATACTGACTGATAATCATAAGATTTGTTAAAAGCATAAACTGATAT-3'
Protein context (NP_000713.2, residues 887-907): DYQSVCEPGA[Ala897Thr]PKQGAGHRSA

ClinVar aggregate classification (germline): Uncertain significance. Review status: criteria provided, multiple submitters, no conflicts (2 of 4 stars). 2 submissions from 2 submitters: Uncertain significance (2). Last evaluated 2023-12-25.

Conditions:
Cardiovascular phenotype. Identifiers: MedGen CN230736.
Brugada syndrome. Also called: Sudden unexplained nocturnal death syndrome; Sudden unexpected nocturnal death syndrome; Sudden Unexplained Death Syndrome; Sudden Unexplained Nocturnal Death Syndrome (SUNDS). Identifiers: Orphanet 130, MedGen C1142166, MONDO:0015263.

Allele frequency attached by ClinVar (database versions not stated): TOPMed below 0.00001; gnomAD 0.00001; gnomAD exomes 0.00001.
gnomAD v4.1: 12 of 1,612,658 alleles (0.00074%); highest among the groups gnomAD compares: Non-Finnish European, 0.00093%; no homozygotes.

Submissions (2):

Ambry Genetics
Classification: Uncertain significance for Cardiovascular phenotype. Last evaluated: 2023-12-25. Review status: criteria provided, single submitter. Criteria: Ambry Variant Classification Scheme 2023. Collection method: clinical testing. Allele origin: germline.
Comment: The p.A897T variant (also known as c.2689G>A), located in coding exon 33 of the CACNA2D1 gene, results from a G to A substitution at nucleotide position 2689. The alanine at codon 897 is replaced by threonine, an amino acid with similar properties. This amino acid position is conserved. In addition, this alteration is predicted to be tolerated by in silico analysis. Since supporting evidence is limited at this time, the clinical significance of this alteration remains unclear.

Labcorp Genetics (formerly Invitae), Labcorp
Classification: Uncertain significance for Brugada syndrome. Last evaluated: 2023-08-04. Review status: criteria provided, single submitter. Criteria: Invitae Variant Classification Sherloc (09022015). Collection method: clinical testing. Allele origin: germline.
Comment: This variant has not been reported in the literature in individuals affected with CACNA2D1-related conditions. In summary, the available evidence is currently insufficient to determine the role of this variant in disease. Therefore, it has been classified as a Variant of Uncertain Significance. Algorithms developed to predict the effect of missense changes on protein structure and function output the following: SIFT: "Not Available"; PolyPhen-2: "Benign"; Align-GVGD: "Not Available". The threonine amino acid residue is found in multiple mammalian species, which suggests that this missense change does not adversely affect protein function. ClinVar contains an entry for this variant (Variation ID: 1972573). This variant is not present in population databases (gnomAD no frequency). This sequence change replaces alanine, which is neutral and non-polar, with threonine, which is neutral and polar, at codon 897 of the CACNA2D1 protein (p.Ala897Thr).